The following is an entry in ClinVar:

NM_001004334.4(GPR179):c.6530G>C (p.Arg2177Thr)

Gene: GPR179 (G protein-coupled receptor 179; minus strand). Cytogenetic location: 17q12.
Variant type: single nucleotide variant.
Coding change: c.6530G>C on transcript NM_001004334.4 (MANE Select); coding-DNA position 6530, G replaced by C.
Protein change: p.Arg2177Thr; replaces arginine 2177 with threonine.
Molecular consequence: missense variant.
Genome position (GRCh38, 1-based): chr17:38,327,039, C>G on the plus strand (G>C on the coding strand, the complement: GPR179 is on the minus strand). VCF-style: chr17-38327039-C-G. GRCh37 (hg19) VCF-style: chr17-36482922-C-G.
Other names: c.6530G>C (NM_001004334.2); short protein forms R2177T.
Identifiers: ClinVar variation 1519812 (VCV001519812.9), dbSNP rs199518600, ClinGen allele CA290102903.

ClinVar aggregate classification (germline): Uncertain significance. Review status: criteria provided, multiple submitters, no conflicts (2 of 4 stars). 2 submissions from 2 submitters: Uncertain significance (2). Last evaluated 2025-12-21.

Conditions:
Inborn genetic diseases. Identifiers: MedGen C0950123, MeSH D030342.

Allele frequency attached by ClinVar (database versions not stated): ExAC 0.00005; gnomAD 0.00005; gnomAD exomes 0.00005; TOPMed 0.00014; ESP Exome Variant Server 0.00032.
gnomAD v4.1: 77 of 1,614,256 alleles (0.0048%); highest among the groups gnomAD compares: Middle Eastern, 0.066%; no homozygotes.

Submissions (2):

Labcorp Genetics (formerly Invitae), Labcorp
Classification: Uncertain significance. Last evaluated: 2025-12-21. Review status: criteria provided, single submitter. Criteria: Invitae Variant Classification Sherloc (09022015). Collection method: clinical testing. Allele origin: germline.
Comment: This sequence change replaces arginine, which is basic and polar, with threonine, which is neutral and polar, at codon 2177 of the GPR179 protein (p.Arg2177Thr). This variant is present in population databases (rs199518600, gnomAD 0.03%). This variant has not been reported in the literature in individuals affected with GPR179-related conditions. ClinVar contains an entry for this variant (Variation ID: 1519812). An algorithm developed to predict the effect of missense changes on protein structure and function (PolyPhen-2) suggests that this variant is likely to be tolerated. In summary, the available evidence is currently insufficient to determine the role of this variant in disease. Therefore, it has been classified as a Variant of Uncertain Significance.

Ambry Genetics
Classification: Uncertain significance for Inborn genetic diseases. Last evaluated: 2024-08-25. Review status: criteria provided, single submitter. Criteria: Ambry Variant Classification Scheme 2023. Collection method: clinical testing. Allele origin: germline.